The following is an entry in ClinVar:

ClinVar aggregate classification (germline): Uncertain significance (1 of 4 stars; one submission).

Submission:

Labcorp Genetics (formerly Invitae), Labcorp
Classification: Uncertain significance. Last evaluated: 2023-10-03. Review status: criteria provided, single submitter. Criteria: Invitae Variant Classification Sherloc (09022015). Collection method: clinical testing. Allele origin: germline.
Comment: This sequence change replaces leucine, which is neutral and non-polar, with arginine, which is basic and polar, at codon 466 of the NYX protein (p.Leu466Arg). This variant is not present in population databases (gnomAD no frequency). This variant has not been reported in the literature in individuals affected with NYX-related conditions. ClinVar contains an entry for this variant (Variation ID: 2085998). An algorithm developed to predict the effect of missense changes on protein structure and function (PolyPhen-2) suggests that this variant is likely to be tolerated. In summary, the available evidence is currently insufficient to determine the role of this variant in disease. Therefore, it has been classified as a Variant of Uncertain Significance.

NM_001378477.3(NYX):c.1382T>G (p.Leu461Arg)

Gene: NYX (nyctalopin; plus strand). Cytogenetic location: Xp11.4.
Variant type: single nucleotide variant.
Coding change: c.1382T>G on transcript NM_001378477.3 (MANE Select); coding-DNA position 1382, T replaced by G.
Protein change: p.Leu461Arg; replaces leucine 461 with arginine.
Molecular consequence: missense variant.
Genome position (GRCh38, 1-based): chrX:41,474,850, T>G. VCF-style: chrX-41474850-T-G. GRCh37 (hg19) VCF-style: chrX-41334103-T-G.
Other names: c.1382T>G, p.Leu461Arg (NM_022567.3); short protein forms L461R.
Identifiers: ClinVar variation 2085998 (VCV002085998.4), dbSNP rs762009375, ClinGen allele CA412993783.